The following is an entry in ClinVar:

ClinVar aggregate classification (germline): Uncertain significance (1 of 4 stars; one submission).

Conditions:
Autosomal dominant nocturnal frontal lobe epilepsy 5. Also called: KCNT1-Related Epilepsy; CILIARY DYSKINESIA, PRIMARY, 28, WITHOUT SITUS INVERSUS; CILIARY DYSKINESIA, PRIMARY, 28, WITH SITUS INVERSUS; Epilepsy, nocturnal frontal lobe, 5. Identifiers: Orphanet 98784, MedGen C3554306, MONDO:0014002, OMIM 615005.
Developmental and epileptic encephalopathy, 14 (DEE14). Also called: Early infantile epileptic encephalopathy 14. Identifiers: Orphanet 293181, MedGen C3554195, MONDO:0013989, OMIM 614959.

Submission:

Labcorp Genetics (formerly Invitae), Labcorp
Classification: Uncertain significance for Autosomal dominant nocturnal frontal lobe epilepsy 5; Developmental and epileptic encephalopathy, 14. Last evaluated: 2020-07-07. Review status: criteria provided, single submitter. Criteria: Invitae Variant Classification Sherloc (09022015). Collection method: clinical testing. Allele origin: germline.
Comment: This variant is not present in population databases (ExAC no frequency). This sequence change replaces serine with threonine at codon 971 of the KCNT1 protein (p.Ser971Thr). The serine residue is highly conserved and there is a small physicochemical difference between serine and threonine. In summary, the available evidence is currently insufficient to determine the role of this variant in disease. Therefore, it has been classified as a Variant of Uncertain Significance. Algorithms developed to predict the effect of missense changes on protein structure and function (SIFT, PolyPhen-2, Align-GVGD) all suggest that this variant is likely to be disruptive, but these predictions have not been confirmed by published functional studies and their clinical significance is uncertain. This variant has not been reported in the literature in individuals with KCNT1-related conditions.

NM_020822.3(KCNT1):c.2912G>C (p.Ser971Thr)

Gene: KCNT1 (potassium sodium-activated channel subfamily T member 1; plus strand). Cytogenetic location: 9q34.3.
Variant type: single nucleotide variant.
Coding change: c.2912G>C on transcript NM_020822.3 (MANE Select); coding-DNA position 2912, G replaced by C.
Protein change: p.Ser971Thr; replaces serine 971 with threonine.
Molecular consequence: missense variant.
Genome position (GRCh38, 1-based): chr9:135,784,094, G>C. VCF-style: chr9-135784094-G-C. GRCh37 (hg19) VCF-style: chr9-138675940-G-C.
Other names: c.2777G>C, p.Ser926Thr (NM_001272003.2); short protein forms S926T, S971T.
Identifiers: ClinVar variation 1062925 (VCV001062925.9), dbSNP rs1279003717, ClinGen allele CA375517535.